The following is an entry in ClinVar:

NM_021729.6(VPS11):c.2301A>G (p.Thr767=)

Gene: VPS11 (VPS11 core subunit of CORVET and HOPS complexes; plus strand). Cytogenetic location: 11q23.3.
Variant type: single nucleotide variant.
Coding change: c.2301A>G on transcript NM_021729.6 (MANE Select); coding-DNA position 2301, A replaced by G.
Protein change: p.Thr767=; no amino-acid change (threonine 767 retained).
Molecular consequence: synonymous variant. On other transcripts: non-coding transcript variant (8).
Genome position (GRCh38, 1-based): chr11:119,079,163, A>G. VCF-style: chr11-119079163-A-G. GRCh37 (hg19) VCF-style: chr11-118949873-A-G.
Other names: c.2301A>G (NM_021729.5); c.2271A>G, p.Thr757= (NM_001290185.2); c.2313A>G, p.Thr771= (NM_001378218.1, NM_001378219.1); c.2286A>G, p.Thr762= (NM_001378220.1); c.2283A>G, p.Thr761= (NM_001378221.1).
Identifiers: ClinVar variation 2642455 (VCV002642455.28), dbSNP rs782054802, ClinGen allele CA229638854.

ClinVar aggregate classification (germline): Likely benign. Review status: criteria provided, multiple submitters, no conflicts (2 of 4 stars). 3 submissions from 3 submitters: Likely benign (2). 1 of the submissions does not count toward it. Last evaluated 2023-12-18.

Conditions:
VPS11-related disorder. Also called: VPS11-related condition.

Allele frequency attached by ClinVar (database versions not stated): gnomAD 0.00005; TOPMed 0.00005; gnomAD exomes 0.00007.
gnomAD v4.1: 104 of 1,613,566 alleles (0.0064%); highest among the groups gnomAD compares: Non-Finnish European, 0.0086%; no homozygotes.

Submissions (3):

Labcorp Genetics (formerly Invitae), Labcorp
Classification: Likely benign. Last evaluated: 2023-12-18. Review status: criteria provided, single submitter. Criteria: Invitae Variant Classification Sherloc (09022015). Collection method: clinical testing. Allele origin: germline.

CeGaT Center for Human Genetics Tuebingen
Classification: Likely benign. Last evaluated: 2023-04-01. Review status: criteria provided, single submitter. Criteria: CeGaT Center For Human Genetics Tuebingen Variant Classification Criteria Version 2. Collection method: clinical testing. Allele origin: germline. Affected: yes. Observed: 1 variant allele.
Comment: VPS11: BP4, BP7

PreventionGenetics, part of Exact Sciences
Classification: Likely benign for VPS11-related condition. Last evaluated: 2020-07-06. Review status: no assertion criteria provided. Collection method: clinical testing. Allele origin: germline. Not counted in ClinVar's aggregate classification.
Comment: This variant is classified as likely benign based on ACMG/AMP sequence variant interpretation guidelines (Richards et al. 2015 PMID: 25741868, with internal and published modifications).